The following is an entry in ClinVar:

ClinVar aggregate classification (germline): Uncertain significance (1 of 4 stars; one submission).

Submission:

GeneDx
Classification: Uncertain significance. Last evaluated: 2024-12-04. Review status: criteria provided, single submitter. Criteria: GeneDx Variant Classification Process June 2021. Collection method: clinical testing. Allele origin: germline. Affected: yes.
Comment: Not observed at significant frequency in large population cohorts (gnomAD); In silico analysis supports that this missense variant has a deleterious effect on protein structure/function; Has not been previously published as pathogenic or benign to our knowledge

NM_002641.4(PIGA):c.880G>T (p.Asp294Tyr)

Gene: PIGA (phosphatidylinositol glycan anchor biosynthesis class A; minus strand). Cytogenetic location: Xp22.2.
Variant type: single nucleotide variant.
Coding change: c.880G>T on transcript NM_002641.4 (MANE Select); coding-DNA position 880, G replaced by T.
Protein change: p.Asp294Tyr; replaces aspartic acid 294 with tyrosine.
Molecular consequence: missense variant. On other transcripts: non-coding transcript variant (2).
Genome position (GRCh38, 1-based): chrX:15,325,121, C>A on the plus strand (G>T on the coding strand, the complement: PIGA is on the minus strand). VCF-style: chrX-15325121-C-A. GRCh37 (hg19) VCF-style: chrX-15343243-C-A.
Other names: c.178G>T, p.Asp60Tyr (NM_020473.3); short protein forms D294Y, D60Y.
Identifiers: ClinVar variation 3901312 (VCV003901312.1).